The following is an entry in ClinVar:

NC_000007.14:g.(?_147043887)_(147044074_?)del

Gene: CNTNAP2 (contactin associated protein 2; plus strand). Cytogenetic location: 7q35.
Variant type: Deletion.
Identifiers: ClinVar variation 468414 (VCV000468414.3).

ClinVar aggregate classification (germline): Pathogenic (1 of 4 stars; one submission).

Conditions:
Cortical dysplasia-focal epilepsy syndrome (PTHSL1). Also called: Pitt-Hopkins-like syndrome 1. Identifiers: Orphanet 163681, Orphanet 221150, MedGen C2750246, MONDO:0012400, OMIM 610042.

Submission:

Labcorp Genetics (formerly Invitae), Labcorp
Classification: Pathogenic for Cortical dysplasia-focal epilepsy syndrome. Last evaluated: 2022-08-21. Review status: criteria provided, single submitter. Criteria: Invitae Variant Classification Sherloc (09022015). Collection method: clinical testing. Allele origin: germline.
Comment: This variant is a gross deletion of the genomic region encompassing exon(s) 4 of the CNTNAP2 gene. This deletion is out-of-frame, and is expected to create a premature termination codon and result in an absent or disrupted protein product. Loss-of-function variants in CNTNAP2 are known to be pathogenic (PMID: 19896112, 21827697, 25045150, 26843181, 27439707). A similar copy number variant has been observed in individual(s) with clinical features of CNTNAP2-related conditions (Invitae). In at least one individual the data is consistent with being in trans (on the opposite chromosome) from a pathogenic variant. For these reasons, this variant has been classified as Pathogenic.

Literature cited by the submitters: PubMed 19896112; PubMed 21827697; PubMed 25045150; PubMed 26843181; PubMed 27439707.